The following is an entry in ClinVar:

ClinVar aggregate classification (germline): Uncertain significance (1 of 4 stars; one submission).

Conditions:
Ataxia-telangiectasia syndrome (AT). Also called: Ataxia-telangiectasia, complementation group D; LOUIS-BAR SYNDROME; ATAXIA-TELANGIECTASIA, COMPLEMENTATION GROUP A; ATAXIA-TELANGIECTASIA, FRESNO VARIANT; Ataxia telangiectasia (A-T); Cerebello-oculocutaneous telangiectasia. Identifiers: Orphanet 100, MedGen C0004135, MONDO:0008840, OMIM 208900.

Submission:

Labcorp Genetics (formerly Invitae), Labcorp
Classification: Uncertain significance for Ataxia-telangiectasia syndrome. Last evaluated: 2023-10-24. Review status: criteria provided, single submitter. Criteria: Invitae Variant Classification Sherloc (09022015). Collection method: clinical testing. Allele origin: germline.
Comment: This sequence change replaces isoleucine, which is neutral and non-polar, with threonine, which is neutral and polar, at codon 487 of the ATM protein (p.Ile487Thr). This variant is not present in population databases (gnomAD no frequency). This variant has not been reported in the literature in individuals affected with ATM-related conditions. An algorithm developed to predict the effect of missense changes on protein structure and function (PolyPhen-2) suggests that this variant is likely to be disruptive. In summary, the available evidence is currently insufficient to determine the role of this variant in disease. Therefore, it has been classified as a Variant of Uncertain Significance.

NM_000051.4(ATM):c.1460T>C (p.Ile487Thr)

Gene: ATM (ATM serine/threonine kinase; plus strand). Cytogenetic location: 11q22.3.
Variant type: single nucleotide variant.
Coding change: c.1460T>C on transcript NM_000051.4 (MANE Select); coding-DNA position 1460, T replaced by C.
Protein change: p.Ile487Thr; replaces isoleucine 487 with threonine.
Molecular consequence: missense variant.
Genome position (GRCh38, 1-based): chr11:108,250,925, T>C. VCF-style: chr11-108250925-T-C. GRCh37 (hg19) VCF-style: chr11-108121652-T-C.
Other names: c.1460T>C, p.Ile487Thr (NM_001351834.2); short protein forms I487T.
Identifiers: ClinVar variation 2771506 (VCV002771506.3), dbSNP rs2135323548, ClinGen allele CA382534143.